The following is an entry in ClinVar:

ClinVar aggregate classification (germline): Conflicting classifications of pathogenicity. Review status: criteria provided, conflicting classifications (1 of 4 stars). 2 submissions from 2 submitters: Likely pathogenic (1); Uncertain significance (1). Last evaluated 2026-09-08.

Conditions:
Fabry disease. Also called: Fabry's disease; GLA DEFICIENCY; HEREDITARY DYSTOPIC LIPIDOSIS; ANDERSON-FABRY DISEASE; CERAMIDE TRIHEXOSIDASE DEFICIENCY; Ceramide trihexosidosis. Identifiers: Orphanet 324, MedGen C0002986, MONDO:0010526, OMIM 301500, HP:0001071. Disease mechanism: loss of function, Fabry disease is due to inactivating mutations in the X-linked GLA gene resulting in deficiency of the enzyme Alpha Galactosidase-A..

Submissions (2):

Genomenon, Inc
Classification: Likely pathogenic for Fabry disease. Last evaluated: 2026-09-08. Review status: criteria provided, single submitter. Criteria: Genomenon Sequence Variant Interpretation Standards - Updated. Collection method: curation. Allele origin: germline. Affected: yes.
Comment: GLA p.Thr282Asn (c.845C>A) is a missense variant that changes the amino acid at codon 282 from Threonine to Asparagine. This variant has been observed in at least one proband with clinical features consistent with Fabry disease (PMID:11322659). At least one functional study has demonstrated a substantial alteration in protein function relative to the wild-type (PMID:27657681). It is absent or not present at a significant frequency in gnomAD. In silico models predict that this variant is possibly or probably damaging. In conclusion, we classify GLA p.Thr282Asn (c.845C>A) as a likely pathogenic variant.

Labcorp Genetics (formerly Invitae), Labcorp
Classification: Uncertain significance for Fabry disease. Last evaluated: 2022-02-06. Review status: criteria provided, single submitter. Criteria: Invitae Variant Classification Sherloc (09022015). Collection method: clinical testing. Allele origin: germline.
Comment: In summary, the available evidence is currently insufficient to determine the role of this variant in disease. Therefore, it has been classified as a Variant of Uncertain Significance. This variant disrupts the p.Thr282 amino acid residue in GLA. Other variant(s) that disrupt this residue have been observed in individuals with GLA-related conditions (PMID: 11322659, 18205205; PIMD: 31860127), which suggests that this may be a clinically significant amino acid residue. Algorithms developed to predict the effect of missense changes on protein structure and function are either unavailable or do not agree on the potential impact of this missense change (SIFT: "Deleterious"; PolyPhen-2: "Probably Damaging"; Align-GVGD: "Class C0"). This missense change has been observed in individual(s) with Fabry disease (PMID: 11322659). This variant is not present in population databases (gnomAD no frequency). This sequence change replaces threonine, which is neutral and polar, with asparagine, which is neutral and polar, at codon 282 of the GLA protein (p.Thr282Asn).

Literature cited by the submitters: PubMed 11322659 (cited by Genomenon, Inc and Labcorp Genetics (formerly Invitae), Labcorp); PubMed 27657681 (cited by Genomenon, Inc); PubMed 18205205 (cited by Labcorp Genetics (formerly Invitae), Labcorp); PubMed 31860127 (cited by Labcorp Genetics (formerly Invitae), Labcorp).

NM_000169.3(GLA):c.845C>A (p.Thr282Asn)

Genes: GLA (galactosidase alpha; minus strand), RPL36A-HNRNPH2 (RPL36A-HNRNPH2 readthrough; plus strand). Cytogenetic location: Xq22.1.
Variant type: single nucleotide variant.
Coding change: c.845C>A on transcript NM_000169.3 (MANE Select); coding-DNA position 845, C replaced by A.
Protein change: p.Thr282Asn; replaces threonine 282 with asparagine.
Molecular consequence: missense variant. On other transcripts: non-coding transcript variant (3), intron variant (2).
Genome position (GRCh38, 1-based): chrX:101,398,524, G>T on the plus strand (C>A on the coding strand, the complement: GLA is on the minus strand). VCF-style: chrX-101398524-G-T. GRCh37 (hg19) VCF-style: chrX-100653512-G-T.
Other names: c.968C>A, p.Thr323Asn (NM_001406747.1); c.845C>A, p.Thr282Asn (NM_001406748.1); c.300+3067G>T (NM_001199973.2); c.177+6702G>T (NM_001199974.2); short protein forms T323N, T282N.
Identifiers: ClinVar variation 2138664 (VCV002138664.6), dbSNP rs2520864023, ClinGen allele CA413922960.